The following is an entry in ClinVar:

NM_018127.7(ELAC2):c.2029+5G>A

Gene: ELAC2 (elaC ribonuclease Z 2; minus strand). Cytogenetic location: 17p12.
Variant type: single nucleotide variant.
Coding change: c.2029+5G>A on transcript NM_018127.7 (MANE Select); 5 bases into the intron after coding-DNA position 2029, G replaced by A.
Molecular consequence: intron variant.
Genome position (GRCh38, 1-based): chr17:12,994,759, C>T on the plus strand (G>A on the coding strand, the complement: ELAC2 is on the minus strand). VCF-style: chr17-12994759-C-T. GRCh37 (hg19) VCF-style: chr17-12898076-C-T.
Other names: c.1909+5G>A (NM_001165962.2); c.2026+5G>A (NM_173717.2).
Identifiers: ClinVar variation 2094098 (VCV002094098.1), dbSNP rs776845488, ClinGen allele CA8400972.
Genomic context (GRCh38, chr17:12,994,759, plus strand): 5'-CATTCACCTCCAGCTACACAAACCCCAGAGCAACCTCAGGGTGGCTTGCTTCTTCCTCTA[C>T]TCACCCATCCGGACCAGAGCCTCGCAGGGCATGGTGTCCCCGGAATAGACCACTTTCCAG-3'

ClinVar aggregate classification (germline): Uncertain significance (1 of 4 stars; one submission).

Conditions:
Combined oxidative phosphorylation defect type 17. Also called: Combined oxidative phosphorylation deficiency 17. Identifiers: Orphanet 369913, MedGen C3809526, MONDO:0014190, OMIM 615440.

Allele frequency attached by ClinVar (database versions not stated): ExAC 0.00001; gnomAD 0.00001; gnomAD exomes 0.00001; TOPMed 0.00001.
gnomAD v4.1: 9 of 1,613,810 alleles (0.00056%); highest among the groups gnomAD compares: South Asian, 0.0066%; no homozygotes.

Submission:

Labcorp Genetics (formerly Invitae), Labcorp
Classification: Uncertain significance for Combined oxidative phosphorylation defect type 17. Last evaluated: 2022-05-26. Review status: criteria provided, single submitter. Criteria: Invitae Variant Classification Sherloc (09022015). Collection method: clinical testing. Allele origin: germline.
Comment: This sequence change falls in intron 21 of the ELAC2 gene. It does not directly change the encoded amino acid sequence of the ELAC2 protein. It affects a nucleotide within the consensus splice site. This variant is present in population databases (rs776845488, gnomAD 0.003%). This variant has not been reported in the literature in individuals affected with ELAC2-related conditions. Variants that disrupt the consensus splice site are a relatively common cause of aberrant splicing (PMID: 17576681, 9536098). Algorithms developed to predict the effect of sequence changes on RNA splicing suggest that this variant may disrupt the consensus splice site. In summary, the available evidence is currently insufficient to determine the role of this variant in disease. Therefore, it has been classified as a Variant of Uncertain Significance.

Literature cited by the submitters: PubMed 17576681; PubMed 9536098.